The following is an entry in ClinVar:

ClinVar aggregate classification (germline): Benign/Likely benign. Review status: criteria provided, multiple submitters, no conflicts (2 of 4 stars). 9 submissions from 7 submitters: Benign (8); Likely benign (1). Last evaluated 2024-12-03.

Conditions:
Autosomal recessive inherited pseudoxanthoma elasticum (PXE). Identifiers: Orphanet 758, MedGen CN032334, MONDO:0009925, OMIM 264800.
Arterial calcification, generalized, of infancy, 2. Identifiers: Orphanet 51608, MedGen C3276161, MONDO:0013768, OMIM 614473.
Pseudoxanthoma elasticum, forme fruste. Also called: Pseudoxanthoma Elasticum, Incomplete; PSEUDOXANTHOMA ELASTICUM, HETEROZYGOUS. Identifiers: Orphanet 758, MedGen C1867450, MONDO:0008333, OMIM 177850.

Allele frequency attached by ClinVar (database versions not stated): gnomAD exomes 0.00038 and 0.00127; ExAC 0.00175; gnomAD 0.00710 and 0.00744; 1000 Genomes Project 30x 0.00953.
gnomAD v4.1: 1,659 of 1,612,760 alleles (0.1%); highest among the groups gnomAD compares: African/African-American, 1.8%; 20 homozygotes.

Submissions (9):

Mayo Clinic Laboratories, Mayo Clinic
Classification: Benign. Last evaluated: 2024-12-03. Review status: criteria provided, single submitter. Criteria: ACMG Guidelines, 2015. Collection method: clinical testing. Allele origin: germline. Observed: 2 variant alleles.
Comment: BS1, BS2, BP4

Blueprint Genetics
Classification: Likely benign. Last evaluated: 2024-11-25. Review status: criteria provided, single submitter. Criteria: ACMG Guidelines, 2015. Collection method: clinical testing. Allele origin: germline.

Genome-Nilou Lab
Classification: Benign for Arterial calcification, generalized, of infancy, 2. Last evaluated: 2021-12-05. Review status: criteria provided, single submitter. Criteria: ACMG Guidelines, 2015. Collection method: clinical testing. Allele origin: germline. Affected: no.

Genome-Nilou Lab
Classification: Benign for Autosomal recessive inherited pseudoxanthoma elasticum. Last evaluated: 2021-12-05. Review status: criteria provided, single submitter. Criteria: ACMG Guidelines, 2015. Collection method: clinical testing. Allele origin: germline. Affected: no.

Genome-Nilou Lab
Classification: Benign for Pseudoxanthoma elasticum, forme fruste. Last evaluated: 2021-12-05. Review status: criteria provided, single submitter. Criteria: ACMG Guidelines, 2015. Collection method: clinical testing. Allele origin: germline. Affected: no.

PXE International
Classification: Benign for Autosomal recessive inherited pseudoxanthoma elasticum. Last evaluated: 2021-03-01. Review status: criteria provided, single submitter. Criteria: Submitter's publication. Collection method: research. Allele origin: germline. Inheritance: Autosomal recessive inheritance. Affected: yes.

Labcorp Genetics (formerly Invitae), Labcorp
Classification: Benign. Last evaluated: 2019-12-31. Review status: criteria provided, single submitter. Criteria: Invitae Variant Classification Sherloc (09022015). Collection method: clinical testing. Allele origin: germline.

GeneDx
Classification: Benign. Last evaluated: 2019-04-15. Review status: criteria provided, single submitter. Criteria: GeneDx Variant Classification Process June 2021. Collection method: clinical testing. Allele origin: germline. Affected: yes.
Comment: This variant is associated with the following publications: (PMID: 12384774, 16086317, 11536079)

Breakthrough Genomics
Classification: Benign. Review status: criteria provided, single submitter. Criteria: ACMG Guidelines, 2015. Collection method: not provided. Allele origin: germline. Inheritance: Autosomal recessive inheritance. Affected: yes.

Literature cited by the submitters: PubMed 36046230 (cited by Mayo Clinic Laboratories, Mayo Clinic).

NM_001171.6(ABCC6):c.955A>G (p.Ile319Val)

Gene: ABCC6 (ATP binding cassette subfamily C member 6; minus strand). Cytogenetic location: 16p13.11.
Variant type: single nucleotide variant.
Coding change: c.955A>G on transcript NM_001171.6 (MANE Select); coding-DNA position 955, A replaced by G.
Protein change: p.Ile319Val; replaces isoleucine 319 with valine.
Molecular consequence: missense variant. On other transcripts: non-coding transcript variant (1).
Genome position (GRCh38, 1-based): chr16:16,203,453, T>C on the plus strand (A>G on the coding strand, the complement: ABCC6 is on the minus strand). VCF-style: chr16-16203453-T-C. GRCh37 (hg19) VCF-style: chr16-16297310-T-C.
Other names: p.Ile319Val; c.613A>G, p.Ile205Val (NM_001351800.1); short protein forms I319V, I205V.
Identifiers: ClinVar variation 388992 (VCV000388992.14), dbSNP rs72657699, ClinGen allele CA7926509.